The following is an entry in ClinVar:

NM_004385.5(VCAN):c.1240G>A (p.Ala414Thr)

Gene: VCAN (versican; plus strand). Cytogenetic location: 5q14.3.
Variant type: single nucleotide variant.
Coding change: c.1240G>A on transcript NM_004385.5 (MANE Select); coding-DNA position 1240, G replaced by A.
Protein change: p.Ala414Thr; replaces alanine 414 with threonine.
Molecular consequence: missense variant. On other transcripts: intron variant (2).
Genome position (GRCh38, 1-based): chr5:83,519,546, G>A. VCF-style: chr5-83519546-G-A. GRCh37 (hg19) VCF-style: chr5-82815365-G-A.
Other names: c.1240G>A, p.Ala414Thr (NM_001164098.2); c.1042+7150G>A (NM_001164097.2, NM_001126336.3); short protein forms A414T.
Identifiers: ClinVar variation 907150 (VCV000907150.12), dbSNP rs749795455, ClinGen allele CA121790679.

ClinVar aggregate classification (germline): Conflicting classifications of pathogenicity. Review status: criteria provided, conflicting classifications (1 of 4 stars). 4 submissions from 3 submitters: Uncertain significance (3); Likely benign (1). Last evaluated 2025-05-01.

Conditions:
Inborn genetic diseases. Identifiers: MedGen C0950123, MeSH D030342.
Wagner disease. Also called: WAGNER VITREORETINAL DEGENERATION; WAGNER VITREORETINOPATHY; Wagner Vitreoretinal Degeneration (Wagner Synrdome); WAGNER SYNDROME 1; HYALOIDEORETINAL DEGENERATION OF WAGNER; Wagner syndrome. Identifiers: Orphanet 898, MedGen C1840452, MONDO:0007740, OMIM 143200.
Vitreoretinopathy. Also called: Vitreoretinal degeneration. Identifiers: MedGen C0344290, MONDO:0020248, HP:0007773.

Allele frequency attached by ClinVar (database versions not stated): gnomAD 0.00001 and 0.00002; TOPMed 0.00001; gnomAD exomes 0.00002 and 0.00006.
gnomAD v4.1: 97 of 1,613,984 alleles (0.006%); highest among the groups gnomAD compares: Non-Finnish European, 0.0075%; no homozygotes.

Submissions (4):

Ambry Genetics
Classification: Likely benign for Inborn genetic diseases. Last evaluated: 2025-05-01. Review status: criteria provided, single submitter. Criteria: Ambry Variant Classification Scheme 2023. Collection method: clinical testing. Allele origin: germline.

Labcorp Genetics (formerly Invitae), Labcorp
Classification: Uncertain significance. Last evaluated: 2022-07-12. Review status: criteria provided, single submitter. Criteria: Invitae Variant Classification Sherloc (09022015). Collection method: clinical testing. Allele origin: germline.
Comment: This sequence change replaces alanine, which is neutral and non-polar, with threonine, which is neutral and polar, at codon 414 of the VCAN protein (p.Ala414Thr). In summary, the available evidence is currently insufficient to determine the role of this variant in disease. Therefore, it has been classified as a Variant of Uncertain Significance. Algorithms developed to predict the effect of missense changes on protein structure and function output the following: SIFT: "Tolerated"; PolyPhen-2: "Benign"; Align-GVGD: "Class C0". The threonine amino acid residue is found in multiple mammalian species, which suggests that this missense change does not adversely affect protein function. ClinVar contains an entry for this variant (Variation ID: 907150). This variant has not been reported in the literature in individuals affected with VCAN-related conditions. This variant is present in population databases (rs749795455, gnomAD 0.004%).

Illumina Laboratory Services, Illumina
Classification: Uncertain significance for Vitreoretinopathy. Last evaluated: 2018-01-12. Review status: criteria provided, single submitter. Criteria: ICSL Variant Classification Criteria 13 December 2019. Collection method: clinical testing. Allele origin: germline.

Illumina Laboratory Services, Illumina
Classification: Uncertain significance for Wagner disease. Last evaluated: 2018-01-12. Review status: criteria provided, single submitter. Criteria: ICSL Variant Classification Criteria 13 December 2019. Collection method: clinical testing. Allele origin: germline.